The following is an entry in ClinVar:

ClinVar aggregate classification (germline): Pathogenic. Review status: criteria provided, multiple submitters, no conflicts (2 of 4 stars). 3 submissions from 3 submitters: Pathogenic (3). Last evaluated 2025-06-03.

Conditions:
WHIM syndrome 1 (WHIMS). Identifiers: Orphanet 51636, MedGen C5542296, MONDO:8000006, OMIM 193670.
Warts, hypogammaglobulinemia, infections, and myelokathexis. Also called: WHIM syndrome. Identifiers: MedGen C0472817, MONDO:0023880.

Submissions (3):

Research Department, X4 Pharmaceuticals (Austria) GmbH
Classification: Pathogenic for WHIM syndrome 1. Last evaluated: 2025-06-03. Review status: criteria provided, single submitter. Criteria: ACMG Guidelines, 2015. Collection method: curation, in vitro. Allele origin: germline, not applicable. Inheritance: Autosomal dominant inheritance. Affected: yes. Observed: 2 variant alleles, 2 heterozygotes. Clinical features observed: Decreased total neutrophil count (HP:0001875), Decreased total lymphocyte count (HP:0001888), Myelokathexis (HP:0031160), Recurrent infections (HP:0002719). Functional consequence: gain_of_function_variant.
Comment: The p.Ser339Phefs*6 frameshift variant has been observed in individuals with with clinical features of WHIM syndrome (PMID: 33415666, 34973340, 35947323). It has also been observed to segregate with disease in related individuals. Experimental studies have shown that the variant affects CXCR4 function (PMID: 34973340, 36089616, 35947323). This variant is located in a region of the CXCR4 protein where a significant number of CXCR4 nonsense and frameshift mutations have been reported in association with autosomal dominant WHIM syndrome (PMID: 31313072, 32784523, 35947323, 39040098). This variant is not present in population databases (gnomAD no frequency).

Labcorp Genetics (formerly Invitae), Labcorp
Classification: Pathogenic for Warts, hypogammaglobulinemia, infections, and myelokathexis. Last evaluated: 2025-04-27. Review status: criteria provided, single submitter. Criteria: Invitae Variant Classification Sherloc (09022015). Collection method: clinical testing. Allele origin: germline.
Comment: This sequence change creates a premature translational stop signal (p.Ser339Phefs*6) in the CXCR4 gene. While this is not anticipated to result in nonsense mediated decay, it is expected to disrupt the last 14 amino acid(s) of the CXCR4 protein. This variant is not present in population databases (gnomAD no frequency). This premature translational stop signal has been observed in individual(s) with CXCR4-related conditions (PMID: 33415666, 34973340, 35947323). In at least one individual the variant was observed to be de novo. ClinVar contains an entry for this variant (Variation ID: 1338437). Algorithms developed to predict the effect of variants on gene product structure and function are not available or were not evaluated for this variant. Experimental studies have shown that this premature translational stop signal affects CXCR4 function (PMID: 34973340, 36089616). For these reasons, this variant has been classified as Pathogenic.

Genetic Services Laboratory, University of Chicago
Classification: Pathogenic. Last evaluated: 2018-09-06. Review status: criteria provided, single submitter. Criteria: ACMG Guidelines, 2015. Collection method: clinical testing. Allele origin: germline. Affected: yes.
Comment: DNA sequence analysis of the CXCR4 gene demonstrated a 4 base pair duplication in exon 2, c.1012_1015dup. This pathogenic sequence change results in an amino acid frameshift and creates a premature stop codon five amino acids downstream of the mutation, p.Ser339Phefs*6. This pathogenic sequence change is predicted to result in an abnormal transcript, which may be degraded, or may lead to the production of a truncated CXCR4 protein with potentially abnormal function. While this pathogenic sequence change has not previously been described in patients with CXCR4-related disorders, several other truncating variants including a frameshift affecting codon 339 have been reported in multiple affected family members (Hernandez et al., 2003).

Literature cited by the submitters: PubMed 34973340 (cited by Research Department, X4 Pharmaceuticals (Austria) GmbH and Labcorp Genetics (formerly Invitae), Labcorp); PubMed 35947323 (cited by Research Department, X4 Pharmaceuticals (Austria) GmbH and Labcorp Genetics (formerly Invitae), Labcorp); PubMed 36089616 (cited by Research Department, X4 Pharmaceuticals (Austria) GmbH and Labcorp Genetics (formerly Invitae), Labcorp); PubMed 33415666 (cited by Research Department, X4 Pharmaceuticals (Austria) GmbH and Labcorp Genetics (formerly Invitae), Labcorp).

NM_003467.3(CXCR4):c.1012_1015dup (p.Ser339fs)

Gene: CXCR4 (C-X-C motif chemokine receptor 4; minus strand). Cytogenetic location: 2q22.1.
Variant type: Duplication.
Coding change: c.1012_1015dup on transcript NM_003467.3 (MANE Select); coding-DNA positions 1012 to 1015, 4 bases duplicated (TCAT; older notation c.1012_1015dupTCAT).
Protein change: p.Ser339fs; shifts the reading frame from serine 339.
Molecular consequence: frameshift variant.
Genome position (GRCh38, 1-based): chr2:136,114,913-136,114,916, ATGA duplicated on the plus strand (TCAT on the coding strand, the reverse complement: CXCR4 is on the minus strand); duplicating any 4 consecutive bases within chr2:136,114,913-136,114,919 gives the same sequence; the c. name uses the placement nearest the transcript's 3' end. VCF-style (leftmost placement, unchanged base first): chr2-136114912-G-GATGA. GRCh37 (hg19) VCF-style: chr2-136872482-G-GATGA.
Other names: c.1024_1027dup, p.Ser343fs (NM_001008540.2); c.1225_1228dup, p.Ser410fs (NM_001348056.2); c.1111_1114dup, p.Ser372fs (NM_001348059.2); c.967_970dup, p.Ser324fs (NM_001348060.2); short protein forms S324fs, S339fs, S343fs, S372fs, S410fs.
Identifiers: ClinVar variation 1338437 (VCV001338437.7), dbSNP rs2104915543, ClinGen allele CA2573051654.